The following is an entry in ClinVar:

ClinVar aggregate classification (germline): Uncertain significance (1 of 4 stars; one submission).

Conditions:
Sulfite oxidase deficiency due to molybdenum cofactor deficiency type C. Also called: Molybdenum cofactor deficiency, complementation group C; Molybdenum cofactor deficiency C. Identifiers: Orphanet 308400, Orphanet 833, MedGen C1854990, MONDO:0014212, OMIM 615501.

Submission:

Labcorp Genetics (formerly Invitae), Labcorp
Classification: Uncertain significance for Sulfite oxidase deficiency due to molybdenum cofactor deficiency type C. Last evaluated: 2025-08-02. Review status: criteria provided, single submitter. Criteria: Invitae Variant Classification Sherloc (09022015). Collection method: clinical testing. Allele origin: germline.
Comment: This sequence change replaces aspartic acid, which is acidic and polar, with glutamic acid, which is acidic and polar, at codon 12 of the GPHN protein (p.Asp12Glu). This variant is not present in population databases (gnomAD no frequency). This variant has not been reported in the literature in individuals affected with GPHN-related conditions. An algorithm developed to predict the effect of missense changes on protein structure and function (PolyPhen-2) suggests that this variant is likely to be disruptive. In summary, the available evidence is currently insufficient to determine the role of this variant in disease. Therefore, it has been classified as a Variant of Uncertain Significance.

NM_020806.5(GPHN):c.36C>A (p.Asp12Glu)

Gene: GPHN (gephyrin; plus strand). Cytogenetic location: 14q23.3.
Variant type: single nucleotide variant.
Coding change: c.36C>A on transcript NM_020806.5 (MANE Select); coding-DNA position 36, C replaced by A.
Protein change: p.Asp12Glu; replaces aspartic acid 12 with glutamic acid.
Molecular consequence: missense variant.
Genome position (GRCh38, 1-based): chr14:66,508,563, C>A. VCF-style: chr14-66508563-C-A. GRCh37 (hg19) VCF-style: chr14-66975281-C-A.
Other names: c.36C>A, p.Asp12Glu (NM_001024218.2, NM_001377514.1, NM_001377515.1 and 4 more transcripts); short protein forms D12E.
Identifiers: ClinVar variation 4724629 (VCV004724629.1).